The following is an entry in ClinVar:

ClinVar aggregate classification (germline): Uncertain significance (1 of 4 stars; one submission).

gnomAD v4.1: 1 of 1,610,480 alleles (0.000062%); highest among the groups gnomAD compares: Admixed American, 0.0017%; no homozygotes.

Submission:

GeneDx
Classification: Uncertain significance. Last evaluated: 2023-06-21. Review status: criteria provided, single submitter. Criteria: GeneDx Variant Classification Process June 2021. Collection method: clinical testing. Allele origin: germline. Affected: yes.
Comment: Not observed at significant frequency in large population cohorts (gnomAD); In silico analysis supports that this missense variant has a deleterious effect on protein structure/function; Has not been previously published as pathogenic or benign to our knowledge

NM_002069.6(GNAI1):c.298C>G (p.Arg100Gly)

Gene: GNAI1 (G protein subunit alpha i1; plus strand). Cytogenetic location: 7q21.11.
Variant type: single nucleotide variant.
Coding change: c.298C>G on transcript NM_002069.6 (MANE Select); coding-DNA position 298, C replaced by G.
Protein change: p.Arg100Gly; replaces arginine 100 with glycine.
Molecular consequence: missense variant.
Genome position (GRCh38, 1-based): chr7:80,189,226, C>G. VCF-style: chr7-80189226-C-G. GRCh37 (hg19) VCF-style: chr7-79818542-C-G.
Other names: c.142C>G, p.Arg48Gly (NM_001256414.2); short protein forms R100G, R48G.
Identifiers: ClinVar variation 3360130 (VCV003360130.1).